The following is an entry in ClinVar:

ClinVar aggregate classification (germline): Uncertain significance. Review status: criteria provided, multiple submitters, no conflicts (2 of 4 stars). 2 submissions from 2 submitters: Uncertain significance (2). Last evaluated 2024-07-16.

Conditions:
Hypercholesterolemia, autosomal dominant, type B (FHCL2). Also called: Familial Hypercholesterolemia Type B; Hyperlipoproteinemia Type IIb; Familial hypercholesterolemia 2; APOB-Related Familial Hypercholesterolemia, Autosomal Dominant; APOLIPOPROTEIN B-100, FAMILIAL DEFECTIVE; APOLIPOPROTEIN B-100, FAMILIAL LIGAND-DEFECTIVE. Identifiers: MedGen C1704417, MONDO:0007751, OMIM 144010.
Familial hypobetalipoproteinemia 1. Also called: APOB-Related Familial Hypobetalipoproteinemia; Hypobetalipoproteinemia, normotriglyceridemic; Acanthocytosis with hypobetalipoproteinemia. Identifiers: MedGen C4551990, MONDO:0014252, OMIM 615558.

gnomAD v4.1: 1 of 1,613,952 alleles (0.000062%); highest among the groups gnomAD compares: Admixed American, 0.0017%; no homozygotes.

Submissions (2):

Blueprint Genetics
Classification: Uncertain significance. Last evaluated: 2024-07-16. Review status: criteria provided, single submitter. Criteria: ACMG Guidelines, 2015. Collection method: clinical testing. Allele origin: germline.

Labcorp Genetics (formerly Invitae), Labcorp
Classification: Uncertain significance for Familial hypobetalipoproteinemia 1; Hypercholesterolemia, autosomal dominant, type B. Last evaluated: 2024-03-22. Review status: criteria provided, single submitter. Criteria: Invitae Variant Classification Sherloc (09022015). Collection method: clinical testing. Allele origin: germline.
Comment: This sequence change replaces glutamic acid, which is acidic and polar, with glutamine, which is neutral and polar, at codon 4279 of the APOB protein (p.Glu4279Gln). This variant is not present in population databases (gnomAD no frequency). This variant has not been reported in the literature in individuals affected with APOB-related conditions. Advanced modeling of protein sequence and biophysical properties (such as structural, functional, and spatial information, amino acid conservation, physicochemical variation, residue mobility, and thermodynamic stability) performed at Invitae indicates that this missense variant is not expected to disrupt APOB protein function with a negative predictive value of 95%. In summary, the available evidence is currently insufficient to determine the role of this variant in disease. Therefore, it has been classified as a Variant of Uncertain Significance.

NM_000384.3(APOB):c.12835G>C (p.Glu4279Gln)

Gene: APOB (apolipoprotein B; minus strand). Cytogenetic location: 2p24.1.
Variant type: single nucleotide variant.
Coding change: c.12835G>C on transcript NM_000384.3 (MANE Select); coding-DNA position 12835, G replaced by C.
Protein change: p.Glu4279Gln; replaces glutamic acid 4279 with glutamine.
Molecular consequence: missense variant.
Genome position (GRCh38, 1-based): chr2:21,002,587, C>G on the plus strand (G>C on the coding strand, the complement: APOB is on the minus strand). VCF-style: chr2-21002587-C-G. GRCh37 (hg19) VCF-style: chr2-21225459-C-G.
Other names: short protein forms E4279Q.
Identifiers: ClinVar variation 3750418 (VCV003750418.3).